The following is an entry in ClinVar:

ClinVar aggregate classification (germline): Uncertain significance. Review status: criteria provided, multiple submitters, no conflicts (2 of 4 stars). 2 submissions from 2 submitters: Uncertain significance (2). Last evaluated 2024-04-29.

Conditions:
Perlman syndrome (PRLMNS). Identifiers: Orphanet 2849, MedGen C0796113, MONDO:0009965, OMIM 267000.
Inborn genetic diseases. Identifiers: MedGen C0950123, MeSH D030342.

gnomAD v4.1: 7 of 1,607,650 alleles (0.00044%); highest among the groups gnomAD compares: African/African-American, 0.0013%; no homozygotes.

Submissions (2):

Labcorp Genetics (formerly Invitae), Labcorp
Classification: Uncertain significance for Perlman syndrome. Last evaluated: 2024-04-29. Review status: criteria provided, single submitter. Criteria: Invitae Variant Classification Sherloc (09022015). Collection method: clinical testing. Allele origin: germline.
Comment: This sequence change replaces glycine, which is neutral and non-polar, with arginine, which is basic and polar, at codon 877 of the DIS3L2 protein (p.Gly877Arg). This variant is present in population databases (no rsID available, gnomAD 0.0009%). This variant has not been reported in the literature in individuals affected with DIS3L2-related conditions. ClinVar contains an entry for this variant (Variation ID: 572427). Experimental studies and prediction algorithms are not available or were not evaluated, and the functional significance of this variant is currently unknown. In summary, the available evidence is currently insufficient to determine the role of this variant in disease. Therefore, it has been classified as a Variant of Uncertain Significance.

Ambry Genetics
Classification: Uncertain significance for Inborn genetic diseases. Last evaluated: 2021-07-16. Review status: criteria provided, single submitter. Criteria: Ambry Variant Classification Scheme 2023. Collection method: clinical testing. Allele origin: germline.

NM_152383.5(DIS3L2):c.2629G>C (p.Gly877Arg)

Gene: DIS3L2 (DIS3 like 3'-5' exoribonuclease 2; plus strand). Cytogenetic location: 2q37.1.
Variant type: single nucleotide variant.
Coding change: c.2629G>C on transcript NM_152383.5 (MANE Select); coding-DNA position 2629, G replaced by C.
Protein change: p.Gly877Arg; replaces glycine 877 with arginine.
Molecular consequence: missense variant. On other transcripts: non-coding transcript variant (2), intron variant (1).
Genome position (GRCh38, 1-based): chr2:232,336,601, G>C. VCF-style: chr2-232336601-G-C. GRCh37 (hg19) VCF-style: chr2-233201311-G-C.
Other names: c.1582-6744G>C (NM_001257281.2); short protein forms G877R.
Identifiers: ClinVar variation 572427 (VCV000572427.7), dbSNP rs765768186, ClinGen allele CA350979104.